The following is an entry in ClinVar:

ClinVar aggregate classification (germline): Pathogenic (1 of 4 stars; one submission).

Conditions:
Hereditary cancer-predisposing syndrome. Also called: Hereditary Cancer Syndrome; Tumor predisposition; Hereditary neoplastic syndrome; Neoplastic Syndromes, Hereditary. Identifiers: Orphanet 140162, MedGen C0027672, MeSH D009386, MONDO:0015356.

Submission:

Ambry Genetics
Classification: Pathogenic for Hereditary cancer-predisposing syndrome. Last evaluated: 2024-04-05. Review status: criteria provided, single submitter. Criteria: Ambry Variant Classification Scheme 2023. Collection method: clinical testing. Allele origin: germline.
Comment: The c.188_189delCT pathogenic mutation, located in coding exon 4 of the BAP1 gene, results from a deletion of two nucleotides at nucleotide positions 188 to 189, causing a translational frameshift with a predicted alternate stop codon (p.S63Yfs*5). This variant has been observed in multiple individuals with a personal and/or family history that is consistent with BAP1-related tumor predisposition syndrome (Chau C et al. Cancers (Basel), 2019 Aug;11; Ambry internal data). This variant is considered to be rare based on population cohorts in the Genome Aggregation Database (gnomAD). In addition to the clinical data presented in the literature, this alteration is expected to result in loss of function by premature protein truncation or nonsense-mediated mRNA decay. As such, this alteration is interpreted as a disease-causing mutation.

Literature cited by the submitters: PubMed 31382694.

NM_004656.4(BAP1):c.188_189del (p.Ser63fs)

Gene: BAP1 (BRCA1 associated deubiquitinase 1; minus strand). Cytogenetic location: 3p21.1.
Variant type: Microsatellite.
Coding change: c.188_189del on transcript NM_004656.4 (MANE Select); coding-DNA positions 188 to 189, 2 bases deleted (CT; older notation c.188_189delCT).
Protein change: p.Ser63fs; shifts the reading frame from serine 63.
Molecular consequence: frameshift variant.
Genome position (GRCh38, 1-based): chr3:52,408,540-52,408,541, AG deleted on the plus strand (CT on the coding strand, the reverse complement: BAP1 is on the minus strand); deleting any 2 consecutive bases within chr3:52,408,540-52,408,544 gives the same sequence; the c. name uses the placement nearest the transcript's 3' end. VCF-style (leftmost placement, unchanged base first): chr3-52408539-TAG-T. GRCh37 (hg19) VCF-style: chr3-52442555-TAG-T.
Other names: c.188_189del, p.Ser63fs (NM_001410772.1); c.185_186TC[1], p.Ser63Tyrfs (NM_004656.2); c.188_189delCT (NM_004656.2); short protein forms S63fs.
Identifiers: ClinVar variation 3260370 (VCV003260370.1).